The following is an entry in ClinVar:

NM_024529.5(CDC73):c.1471A>G (p.Lys491Glu)

Gene: CDC73 (cell division cycle 73; plus strand). Cytogenetic location: 1q31.2.
Variant type: single nucleotide variant.
Coding change: c.1471A>G on transcript NM_024529.5 (MANE Select); coding-DNA position 1471, A replaced by G.
Protein change: p.Lys491Glu; replaces lysine 491 with glutamic acid.
Molecular consequence: missense variant.
Genome position (GRCh38, 1-based): chr1:193,249,783, A>G. VCF-style: chr1-193249783-A-G. GRCh37 (hg19) VCF-style: chr1-193218913-A-G.
Other names: short protein forms K491E.
Identifiers: ClinVar variation 1057987 (VCV001057987.11), dbSNP rs2102073386, ClinGen allele CA344078454.
Genomic context (GRCh38, chr1:193,249,783, plus strand): 5'-TCTATAGTTAAAGCCTTCCATCTGAAGTATGATGAAGTTCGTCTGGATCCAAATGTTCAG[A>G]AATGGGATGTAACAGTATTAGAACTCAGCTATCACAAACGTCATTTGGATAGACCAGTGT-3'
Protein context (NP_078805.3, residues 481-501): DEVRLDPNVQ[Lys491Glu]WDVTVLELSY

ClinVar aggregate classification (germline): Uncertain significance. Review status: criteria provided, multiple submitters, no conflicts (2 of 4 stars). 2 submissions from 2 submitters: Uncertain significance (2). Last evaluated 2022-12-15.

Conditions:
Hereditary cancer-predisposing syndrome. Also called: Neoplastic Syndromes, Hereditary; Hereditary Cancer Syndrome; Hereditary neoplastic syndrome; Tumor predisposition. Identifiers: Orphanet 140162, MedGen C0027672, MeSH D009386, MONDO:0015356.
Parathyroid carcinoma (PRTC). Also called: CDC73-Related Parathyroid Carcinoma; Parathyroid gland carcinoma. Identifiers: Orphanet 143, MedGen C0687150, MONDO:0012004, OMIM 608266, HP:0006780.

Submissions (2):

Labcorp Genetics (formerly Invitae), Labcorp
Classification: Uncertain significance for Parathyroid carcinoma. Last evaluated: 2022-12-15. Review status: criteria provided, single submitter. Criteria: Invitae Variant Classification Sherloc (09022015). Collection method: clinical testing. Allele origin: germline.
Comment: This sequence change replaces lysine, which is basic and polar, with glutamic acid, which is acidic and polar, at codon 491 of the CDC73 protein (p.Lys491Glu). This variant is not present in population databases (gnomAD no frequency). This variant has not been reported in the literature in individuals affected with CDC73-related conditions. ClinVar contains an entry for this variant (Variation ID: 1057987). Advanced modeling of protein sequence and biophysical properties (such as structural, functional, and spatial information, amino acid conservation, physicochemical variation, residue mobility, and thermodynamic stability) performed at Invitae indicates that this missense variant is not expected to disrupt CDC73 protein function. In summary, the available evidence is currently insufficient to determine the role of this variant in disease. Therefore, it has been classified as a Variant of Uncertain Significance.

Ambry Genetics
Classification: Uncertain significance for Hereditary cancer-predisposing syndrome. Last evaluated: 2022-02-12. Review status: criteria provided, single submitter. Criteria: Ambry Variant Classification Scheme 2023. Collection method: clinical testing. Allele origin: germline.
Comment: The p.K491E variant (also known as c.1471A>G), located in coding exon 16 of the CDC73 gene, results from an A to G substitution at nucleotide position 1471. The lysine at codon 491 is replaced by glutamic acid, an amino acid with similar properties. This amino acid position is conserved. In addition, the in silico prediction for this alteration is inconclusive. Since supporting evidence is limited at this time, the clinical significance of this alteration remains unclear.